The following is an entry in ClinVar:

ClinVar aggregate classification (germline): Likely pathogenic (1 of 4 stars; one submission).

Conditions:
Pendred syndrome (PDS). Also called: THYROID DYSHORMONOGENESIS 2B; THYROID HORMONOGENESIS, GENETIC DEFECT IN, 2B; Pendred Syndrome (PDS); DEAFNESS WITH GOITER; GOITER-DEAFNESS SYNDROME; HYPOTHYROIDISM, CONGENITAL, DUE TO DYSHORMONOGENESIS, 2B. Identifiers: Orphanet 705, MedGen C0271829, MONDO:0010134, OMIM 274600.

Submission:

Natera, Inc.
Classification: Likely pathogenic for Pendred syndrome. Last evaluated: 2025-01-07. Review status: criteria provided, single submitter. Criteria: Natera Variant Classification Schema (03/2026). Collection method: clinical testing. Allele origin: germline.
Comment: The c.1720G>A variant in SLC26A4 is a missense variant predicted to cause substitution of alanine to threonine at amino acid 574. This variant is rare in the general population with a frequency below the threshold expected for the associated phenotype(s). This variant has been observed in one or more individuals affected with the associated recessive disease, as either homozygous or compound heterozygous with a second variant (PMID: 25372295). This variant has been identified in one or more affected individuals with a phenotype highly consistent with the associated gene (PMID: 25372295, 31541171). Computational prediction algorithms indicate this variant is likely to affect gene or protein function. Given the available evidence, this variant is classified as Likely Pathogenic.

Literature cited by the submitters: PubMed 25372295; PubMed 31541171.

NM_000441.2(SLC26A4):c.1720G>A (p.Ala574Thr)

Gene: SLC26A4 (solute carrier family 26 member 4; plus strand). Cytogenetic location: 7q22.3.
Variant type: single nucleotide variant.
Coding change: c.1720G>A on transcript NM_000441.2 (MANE Select); coding-DNA position 1720, G replaced by A.
Protein change: p.Ala574Thr; replaces alanine 574 with threonine.
Molecular consequence: missense variant.
Genome position (GRCh38, 1-based): chr7:107,701,113, G>A. VCF-style: chr7-107701113-G-A. GRCh37 (hg19) VCF-style: chr7-107341558-G-A.
Other names: short protein forms A574T.
Identifiers: ClinVar variation 4818366 (VCV004818366.1).
Genomic context (GRCh38, chr7:107,701,113, plus strand): 5'-AGCTTTAGGTGCCAGGCATTTTAAGTAACTTGACATTTATTTCCAAAGGTTGGATTTGAT[G>A]CCATTAGAGTATATAATAAGAGGCTGAAAGCGCTGAGGAAAATACAGAAACTAATAAAAA-3'
Protein context (NP_000432.1, residues 564-584): KCIKSTVGFD[Ala574Thr]IRVYNKRLKA